The following is an entry in ClinVar:

NC_000019.9:g.(?_45873371)_(45873798_?)del

Gene: ERCC2 (ERCC excision repair 2, TFIIH core complex helicase subunit; minus strand). Cytogenetic location: 19q13.32.
Variant type: Deletion.
Identifiers: ClinVar variation 3242641 (VCV003242641.1).

ClinVar aggregate classification (germline): Pathogenic (1 of 4 stars; one submission).

Submission:

Labcorp Genetics (formerly Invitae), Labcorp
Classification: Pathogenic. Last evaluated: 2023-12-18. Review status: criteria provided, single submitter. Criteria: Invitae Variant Classification Sherloc (09022015). Collection method: clinical testing. Allele origin: unknown.
Comment: This variant is a gross deletion of the genomic region encompassing exon(s) 1-2 of the ERCC2 gene, which includes the initiator codon. This deletion extends beyond the assayed region for this gene and therefore may encompass additional genes. It is expected to result in an absent or disrupted protein product. Loss-of-function variants in ERCC2 are known to be pathogenic (PMID: 9238033, 11335038, 19085937, 19934020). This variant has not been reported in the literature in individuals affected with ERCC2-related conditions. For these reasons, this variant has been classified as Pathogenic.

Literature cited by the submitters: PubMed 9238033; PubMed 11335038; PubMed 19085937; PubMed 19934020.